The following is an entry in ClinVar:

NM_001292063.2(OTOG):c.7489C>T (p.Gln2497Ter)

Gene: OTOG (otogelin; plus strand). Cytogenetic location: 11p15.1.
Variant type: single nucleotide variant.
Coding change: c.7489C>T on transcript NM_001292063.2 (MANE Select); coding-DNA position 7489, C replaced by T.
Protein change: p.Gln2497Ter; replaces glutamine 2497 with a stop codon.
Molecular consequence: nonsense.
Genome position (GRCh38, 1-based): chr11:17,634,852, C>T. VCF-style: chr11-17634852-C-T. GRCh37 (hg19) VCF-style: chr11-17656399-C-T.
Other names: c.7525C>T, p.Gln2509Ter (NM_001277269.2); short protein forms Q2497*, Q2509*.
Identifiers: ClinVar variation 1698072 (VCV001698072.2), dbSNP rs2133709057, ClinGen allele CA379812506.
Genomic context (GRCh38, chr11:17,634,852, plus strand): 5'-CAGTGGGGACATCCGGCCCCGAGGTGACAGGCCCTGTGGTCCCCGGGGCCAGTGTGTAAC[C>T]AGACTCTGTGTGAGGGTCTCGCCCCCACATGCCGCCCAGGCCACCGCCTCCTCACCCACT-3'

ClinVar aggregate classification (germline): Likely pathogenic (1 of 4 stars; one submission).

gnomAD v4.1: 1 of 1,549,486 alleles (0.000065%); highest among the groups gnomAD compares: Non-Finnish European, 0.000087%; no homozygotes.

Submission:

GeneDx
Classification: Likely pathogenic. Last evaluated: 2022-07-08. Review status: criteria provided, single submitter. Criteria: GeneDx Variant Classification Process June 2021. Collection method: clinical testing. Allele origin: germline. Affected: yes.
Comment: Nonsense variant predicted to result in protein truncation or nonsense mediated decay in a gene for which loss-of-function is a known mechanism of disease; Not observed at significant frequency in large population cohorts (gnomAD); Has not been previously published as pathogenic or benign to our knowledge